The following is an entry in ClinVar:

ClinVar aggregate classification (germline): Uncertain significance (1 of 4 stars; one submission).

Conditions:
NRP2-related disorder. Also called: NRP2-related condition.

Allele frequency attached by ClinVar (database versions not stated): TOPMed below 0.00001; gnomAD 0.00001.

Submission:

PreventionGenetics, part of Exact Sciences
Classification: Uncertain significance for NRP2-related condition. Last evaluated: 2026-04-28. Review status: criteria provided, single submitter. Criteria: ACMG Guidelines, 2015. Collection method: clinical testing. Allele origin: germline.
Comment: The NRP2 c.649G>A variant is predicted to result in the amino acid substitution p.Asp217Asn. To our knowledge, this variant has not been reported in the literature. This variant is reported in 0.0087% of alleles in individuals of Latino descent in gnomAD. At this time, the clinical significance of this variant is uncertain due to the absence of conclusive functional and genetic evidence.

NM_003872.3(NRP2):c.649G>A (p.Asp217Asn)

Gene: NRP2 (neuropilin 2; plus strand). Cytogenetic location: 2q33.3.
Variant type: single nucleotide variant.
Coding change: c.649G>A on transcript NM_003872.3 (MANE Select); coding-DNA position 649, G replaced by A.
Protein change: p.Asp217Asn; replaces aspartic acid 217 with asparagine.
Molecular consequence: missense variant.
Genome position (GRCh38, 1-based): chr2:205,722,693, G>A. VCF-style: chr2-205722693-G-A. GRCh37 (hg19) VCF-style: chr2-206587417-G-A.
Other names: c.649G>A, p.Asp217Asn (NM_018534.4, NM_201264.2, NM_201266.2 and 2 more transcripts); short protein forms D217N.
Identifiers: ClinVar variation 3030425 (VCV003030425.3), dbSNP rs1480809144, ClinGen allele CA350018916.